The following is an entry in ClinVar:

NM_000303.3(PMM2):c.205C>A (p.Pro69Thr)

Gene: PMM2 (phosphomannomutase 2; plus strand). Cytogenetic location: 16p13.2.
Variant type: single nucleotide variant.
Coding change: c.205C>A on transcript NM_000303.3 (MANE Select); coding-DNA position 205, C replaced by A.
Protein change: p.Pro69Thr; replaces proline 69 with threonine.
Molecular consequence: missense variant.
Genome position (GRCh38, 1-based): chr16:8,804,793, C>A. VCF-style: chr16-8804793-C-A. GRCh37 (hg19) VCF-style: chr16-8898650-C-A.
Other names: short protein forms P69T.
Identifiers: ClinVar variation 2119757 (VCV002119757.5), dbSNP rs769648248, ClinGen allele CA394695862.
Genomic context (GRCh38, chr16:8,804,793, plus strand): 5'-TGCATTCTAAGTGTTTTTTTGGTTTTGATTGTAGTGGTTGAAAAATACGATTATGTGTTT[C>A]CAGAAAATGGCTTGGTAGCATACAAAGATGGGAAACTCTTGTGTAGACAGGTAGGTTCTT-3'
Protein context (NP_000294.1, residues 59-79): DVVEKYDYVF[Pro69Thr]ENGLVAYKDG

ClinVar aggregate classification (germline): Conflicting classifications of pathogenicity. Review status: criteria provided, conflicting classifications (1 of 4 stars). 2 submissions from 2 submitters: Likely pathogenic (1); Uncertain significance (1). Last evaluated 2025-07-10.

Conditions:
PMM2-congenital disorder of glycosylation. Also called: CDG Ia; PMM2-CDG; Congenital disorder of glycosylation, type Ia; JAEKEN SYNDROME; PHOSPHOMANNOMUTASE 2 DEFICIENCY; CARBOHYDRATE-DEFICIENT GLYCOPROTEIN SYNDROME, TYPE Ia. Identifiers: Orphanet 79318, MedGen C0349653, MONDO:0008907, OMIM 212065.

Submissions (2):

Women's Health and Genetics/Laboratory Corporation of America, LabCorp
Classification: Uncertain significance. Last evaluated: 2025-07-10. Review status: criteria provided, single submitter. Criteria: LabCorp Variant Classification Summary - May 2015. Collection method: clinical testing. Allele origin: germline.
Comment: Variant summary: PMM2 c.205C>A (p.Pro69Thr) results in a non-conservative amino acid change in the encoded protein sequence. Algorithms developed to predict the effect of missense changes on protein structure and function all suggest that this variant is likely to be disruptive. The variant was absent in 251392 control chromosomes. The available data on variant occurrences in the general population are insufficient to allow any conclusion about variant significance. To our knowledge, no occurrence of c.205C>A in individuals affected with Congenital Disorder Of Glycosylation Type 1a and no experimental evidence demonstrating its impact on protein function have been reported. ClinVar contains an entry for this variant (Variation ID: 2119757). Based on the evidence outlined above, the variant was classified as uncertain significance.

Labcorp Genetics (formerly Invitae), Labcorp
Classification: Likely pathogenic for PMM2-congenital disorder of glycosylation. Last evaluated: 2022-03-31. Review status: criteria provided, single submitter. Criteria: Invitae Variant Classification Sherloc (09022015). Collection method: clinical testing. Allele origin: germline.
Comment: This variant has not been reported in the literature in individuals affected with PMM2-related conditions. Advanced modeling of protein sequence and biophysical properties (such as structural, functional, and spatial information, amino acid conservation, physicochemical variation, residue mobility, and thermodynamic stability) performed at Invitae indicates that this missense variant is expected to disrupt PMM2 protein function. Algorithms developed to predict the effect of sequence changes on RNA splicing suggest that this variant may disrupt the consensus splice site. This variant disrupts the p.Pro69 amino acid residue in PMM2. Other variant(s) that disrupt this residue have been determined to be pathogenic (PMID: 22801829, 31391289). This suggests that this residue is clinically significant, and that variants that disrupt this residue are likely to be disease-causing. In summary, the currently available evidence indicates that the variant is pathogenic, but additional data are needed to prove that conclusively. Therefore, this variant has been classified as Likely Pathogenic. This variant is not present in population databases (gnomAD no frequency). This sequence change replaces proline, which is neutral and non-polar, with threonine, which is neutral and polar, at codon 69 of the PMM2 protein (p.Pro69Thr).

Literature cited by the submitters: PubMed 22801829 (cited by Labcorp Genetics (formerly Invitae), Labcorp); PubMed 31391289 (cited by Labcorp Genetics (formerly Invitae), Labcorp).